The following is an entry in ClinVar:

ClinVar aggregate classification (germline): Likely pathogenic. Review status: criteria provided, single submitter (1 of 4 stars). 2 submissions from 2 submitters: Likely pathogenic (1). 1 of the submissions does not count toward it. Last evaluated 2019-10-18.

Conditions:
Dyschromatosis universalis hereditaria 1 (DUH1). Identifiers: MedGen C2675711, MONDO:0024524, OMIM 127500.

Submissions (2):

SIB Swiss Institute of Bioinformatics
Classification: Likely pathogenic for Dyschromatosis universalis hereditaria 1. Last evaluated: 2019-10-18. Review status: criteria provided, single submitter. Criteria: ACMG Guidelines, 2015. Collection method: curation. Allele origin: unknown.
Comment: This variant is interpreted as Likely pathogenic for Dyschromatosis universalis hereditaria 1, autosomal dominant. The following ACMG Tag(s) were applied: PM2, PP3, PP1-Strong, PM1-Supporting.

OMIM
Classification: Pathogenic for DYSCHROMATOSIS UNIVERSALIS HEREDITARIA 1. Last evaluated: 2019-03-29. Review status: no assertion criteria provided. Collection method: literature only. Allele origin: germline. Not counted in ClinVar's aggregate classification.

Literature cited by the submitters: PubMed 26203640 (cited by SIB Swiss Institute of Bioinformatics and OMIM); PubMed 12190883 (cited by OMIM); PubMed 15150790 (cited by OMIM).

NM_015278.5(SASH1):c.1556G>A (p.Ser519Asn)

Gene: SASH1 (SAM and SH3 domain containing 1; plus strand). Cytogenetic location: 6q25.1.
Variant type: single nucleotide variant.
Coding change: c.1556G>A on transcript NM_015278.5 (MANE Select); coding-DNA position 1556, G replaced by A.
Protein change: p.Ser519Asn; replaces serine 519 with asparagine.
Molecular consequence: missense variant.
Genome position (GRCh38, 1-based): chr6:148,531,653, G>A. VCF-style: chr6-148531653-G-A. GRCh37 (hg19) VCF-style: chr6-148852789-G-A.
Other names: c.1421G>A, p.Ser474Asn (NM_001346505.2); c.1184G>A, p.Ser395Asn (NM_001346506.2); c.839G>A, p.Ser280Asn (NM_001346507.2); c.1328G>A, p.Ser443Asn (NM_001346508.2); c.1205G>A, p.Ser402Asn (NM_001346509.2); short protein forms S519N, S402N, S443N, S474N, S280N, S395N.
Identifiers: ClinVar variation 624629 (VCV000624629.2), dbSNP rs1562489240, ClinGen allele CA365987471.